The following is an entry in ClinVar:

NM_000218.3(KCNQ1):c.1166C>A (p.Ser389Tyr)

Gene: KCNQ1 (potassium voltage-gated channel subfamily Q member 1; plus strand). Cytogenetic location: 11p15.5.
Variant type: single nucleotide variant.
Coding change: c.1166C>A on transcript NM_000218.3 (MANE Select); coding-DNA position 1166, C replaced by A.
Protein change: p.Ser389Tyr; replaces serine 389 with tyrosine.
Molecular consequence: missense variant.
Genome position (GRCh38, 1-based): chr11:2,587,607, C>A. VCF-style: chr11-2587607-C-A. GRCh37 (hg19) VCF-style: chr11-2608837-C-A.
Other names: c.1166C>A (LRG_287t1); c.1070C>A, p.Ser357Tyr (NM_001406836.1); c.896C>A, p.Ser299Tyr (NM_001406837.1); c.626C>A, p.Ser209Tyr (NM_001406838.1); c.785C>A, p.Ser262Tyr (NM_181798.2); short protein forms S389Y, S262Y, S357Y, S209Y, S299Y.
Identifiers: ClinVar variation 52966 (VCV000052966.6), dbSNP rs199472773, ClinGen allele CA005431.

ClinVar aggregate classification (germline): Uncertain significance. Review status: criteria provided, single submitter (1 of 4 stars). 2 submissions from 2 submitters: Uncertain significance (1). 1 of the submissions does not count toward it. Last evaluated 2023-08-04.

Conditions:
Familial long QT syndrome (RWS). Also called: Congenital long QT syndrome; Romano-Ward syndrome; VENTRICULAR FIBRILLATION WITH PROLONGED QT INTERVAL. Identifiers: Orphanet 768, MedGen C1141890, MONDO:0019171.

Submissions (2):

GeneDx
Classification: Uncertain significance. Last evaluated: 2023-08-04. Review status: criteria provided, single submitter. Criteria: GeneDx Variant Classification Process June 2021. Collection method: clinical testing. Allele origin: germline. Affected: yes.
Comment: Reported in an individual referred for LQTS genetic testing in the published literature (PMID: 15840476); Not observed at significant frequency in large population cohorts (gnomAD); In silico analysis supports that this missense variant has a deleterious effect on protein structure/function; This variant is associated with the following publications: (PMID: 15840476)

Cardiovascular Biomedical Research Unit, Royal Brompton & Harefield NHS Foundation Trust
No classification provided. Condition: Familial long QT syndrome. Review status: no classification provided. Collection method: literature only. Allele origin: germline. Not counted in ClinVar's aggregate classification.
Comment: This variant has been reported as associated with Long QT syndrome in the following publications (PMID:15840476). This is a literature report, and does not necessarily reflect the clinical interpretation of the Imperial College / Royal Brompton Cardiovascular Genetics laboratory.

Literature cited by the submitters: PubMed 15840476 (cited by Cardiovascular Biomedical Research Unit, Royal Brompton & Harefield NHS Foundation Trust); PubMed 22581653 (cited by Cardiovascular Biomedical Research Unit, Royal Brompton & Harefield NHS Foundation Trust).